The following is an entry in ClinVar:

ClinVar aggregate classification (germline): Uncertain significance. Review status: criteria provided, multiple submitters, no conflicts (2 of 4 stars). 3 submissions from 3 submitters: Uncertain significance (3). Last evaluated 2024-12-15.

Conditions:
Inborn genetic diseases. Identifiers: MedGen C0950123, MeSH D030342.
Combined oxidative phosphorylation defect type 14. Also called: Combined oxidative phosphorylation deficiency 14. Identifiers: Orphanet 319519, MedGen C4755312, MONDO:0013986, OMIM 614946.

Allele frequency attached by ClinVar (database versions not stated): ExAC 0.00001; gnomAD 0.00001; gnomAD exomes 0.00001 and 0.00002.
gnomAD v4.1: 12 of 1,614,030 alleles (0.00074%); highest among the groups gnomAD compares: East Asian, 0.027%; no homozygotes.

Submissions (3):

Labcorp Genetics (formerly Invitae), Labcorp
Classification: Uncertain significance for Combined oxidative phosphorylation defect type 14. Last evaluated: 2024-12-15. Review status: criteria provided, single submitter. Criteria: Invitae Variant Classification Sherloc (09022015). Collection method: clinical testing. Allele origin: germline.
Comment: This sequence change replaces threonine, which is neutral and polar, with serine, which is neutral and polar, at codon 43 of the FARS2 protein (p.Thr43Ser). This variant is present in population databases (rs769031929, gnomAD 0.03%). This variant has not been reported in the literature in individuals affected with FARS2-related conditions. ClinVar contains an entry for this variant (Variation ID: 653043). Invitae Evidence Modeling of protein sequence and biophysical properties (such as structural, functional, and spatial information, amino acid conservation, physicochemical variation, residue mobility, and thermodynamic stability) indicates that this missense variant is not expected to disrupt FARS2 protein function with a negative predictive value of 95%. In summary, the available evidence is currently insufficient to determine the role of this variant in disease. Therefore, it has been classified as a Variant of Uncertain Significance.

Ambry Genetics
Classification: Uncertain significance for Inborn genetic diseases. Last evaluated: 2023-04-19. Review status: criteria provided, single submitter. Criteria: Ambry Variant Classification Scheme 2023. Collection method: clinical testing. Allele origin: germline.

GeneDx
Classification: Uncertain significance. Last evaluated: 2022-07-28. Review status: criteria provided, single submitter. Criteria: GeneDx Variant Classification Process June 2021. Collection method: clinical testing. Allele origin: germline. Affected: yes.
Comment: In silico analysis supports that this missense variant does not alter protein structure/function; Has not been previously published as pathogenic or benign to our knowledge

NM_006567.5(FARS2):c.128C>G (p.Thr43Ser)

Genes: FARS2 (phenylalanyl-tRNA synthetase 2, mitochondrial; plus strand), LOC126859565 (CDK7 strongly-dependent group 2 enhancer GRCh37_chr6:5368745-5369944; plus strand). Cytogenetic location: 6p25.1.
Variant type: single nucleotide variant.
Coding change: c.128C>G on transcript NM_006567.5 (MANE Select); coding-DNA position 128, C replaced by G.
Protein change: p.Thr43Ser; replaces threonine 43 with serine.
Molecular consequence: missense variant. On other transcripts: intron variant (2).
Genome position (GRCh38, 1-based): chr6:5,368,698, C>G. VCF-style: chr6-5368698-C-G. GRCh37 (hg19) VCF-style: chr6-5368931-C-G.
Other names: c.128C>G, p.Thr43Ser (NM_001318872.2, NM_001374875.1, NM_001374876.1 and 5 more transcripts); c.-340-27935C>G (NM_001375260.1); c.-84-35844C>G (NM_001375259.1); short protein forms T43S.
Identifiers: ClinVar variation 653043 (VCV000653043.10), dbSNP rs769031929, ClinGen allele CA3623595.
Genomic context (GRCh38, chr6:5,368,698, plus strand): 5'-TCTCCAGAGGCCATCAGCACCAGGCCTGGGGATCGAGGCCTCCTGCAGCAGAGTGTGCCA[C>G]CCAAAGAGCTCCAGGCAGTGTGGTGGAGCTGCTGGGCAAATCCTACCCTCAGGACGACCA-3'
Protein context (NP_006558.1, residues 33-53): GSRPPAAECA[Thr43Ser]QRAPGSVVEL